The following is an entry in ClinVar:

NM_005732.4(RAD50):c.1054C>T (p.Arg352Cys)

Gene: RAD50 (RAD50 double strand break repair protein; plus strand). Cytogenetic location: 5q31.1.
Variant type: single nucleotide variant.
Coding change: c.1054C>T on transcript NM_005732.4 (MANE Select); coding-DNA position 1054, C replaced by T.
Protein change: p.Arg352Cys; replaces arginine 352 with cysteine.
Molecular consequence: missense variant.
Genome position (GRCh38, 1-based): chr5:132,588,689, C>T. VCF-style: chr5-132588689-C-T. GRCh37 (hg19) VCF-style: chr5-131924381-C-T.
Other names: short protein forms R352C.
Identifiers: ClinVar variation 480399 (VCV000480399.13), dbSNP rs1341798216, ClinGen allele CA360941948.

ClinVar aggregate classification (germline): Uncertain significance. Review status: criteria provided, multiple submitters, no conflicts (2 of 4 stars). 2 submissions from 2 submitters: Uncertain significance (2). Last evaluated 2024-10-24.

Conditions:
Hereditary cancer-predisposing syndrome. Also called: Hereditary Cancer Syndrome; Neoplastic Syndromes, Hereditary; Tumor predisposition; Hereditary neoplastic syndrome. Identifiers: Orphanet 140162, MedGen C0027672, MeSH D009386, MONDO:0015356.

Allele frequency attached by ClinVar (database versions not stated): gnomAD exomes below 0.00001; gnomAD 0.00001.
gnomAD v4.1: 5 of 1,610,948 alleles (0.00031%); highest among the groups gnomAD compares: Admixed American, 0.0017%; no homozygotes.

Submissions (2):

Labcorp Genetics (formerly Invitae), Labcorp
Classification: Uncertain significance for Hereditary cancer-predisposing syndrome. Last evaluated: 2024-10-24. Review status: criteria provided, single submitter. Criteria: Invitae Variant Classification Sherloc (09022015). Collection method: clinical testing. Allele origin: germline.
Comment: This sequence change replaces arginine, which is basic and polar, with cysteine, which is neutral and slightly polar, at codon 352 of the RAD50 protein (p.Arg352Cys). The frequency data for this variant in the population databases is considered unreliable, as metrics indicate poor data quality at this position in the gnomAD database. This variant has not been reported in the literature in individuals affected with RAD50-related conditions. ClinVar contains an entry for this variant (Variation ID: 480399). An algorithm developed to predict the effect of missense changes on protein structure and function (PolyPhen-2) suggests that this variant is likely to be disruptive. In summary, the available evidence is currently insufficient to determine the role of this variant in disease. Therefore, it has been classified as a Variant of Uncertain Significance.

Ambry Genetics
Classification: Uncertain significance for Hereditary cancer-predisposing syndrome. Last evaluated: 2022-11-02. Review status: criteria provided, single submitter. Criteria: Ambry Variant Classification Scheme 2023. Collection method: clinical testing. Allele origin: germline.
Comment: The p.R352C variant (also known as c.1054C>T), located in coding exon 8 of the RAD50 gene, results from a C to T substitution at nucleotide position 1054. The arginine at codon 352 is replaced by cysteine, an amino acid with highly dissimilar properties. This amino acid position is highly conserved in available vertebrate species. In addition, the in silico prediction for this alteration is inconclusive. Since supporting evidence is limited at this time, the clinical significance of this alteration remains unclear.